The following continues an entry in ClinVar:

NM_024675.4(PALB2):c.13C>T (p.Pro5Ser)

Gene: PALB2. ClinVar aggregate classification (germline): Conflicting classifications of pathogenicity. Uncertain significance (13); Likely benign (4).

Submissions 13 to 19 of 19:

Sema4
Classification: Uncertain significance for Hereditary cancer-predisposing syndrome. Last evaluated: 2021-04-11. Review status: criteria provided, single submitter. Criteria: Sema4 Curation Guidelines. Collection method: curation. Allele origin: germline.
Comment: The PALB2 c.13C>T (p.P5S) variant has been reported in heterozygosity in several individuals with breast, ovarian, or colorectal cancer (PMID: 21285249, 24556926, 29052111, 28779002, 26315354, 27616075, 28135145). It was observed in 10/126632 chromosomes of the Non-Finnish European subpopulation, with no homozygotes, in the Genome Aggregation Database. The variant has been reported in ClinVar (Variation ID 126600). In silico tools suggest the impact of the variant on protein function is benign. Functional studies on this variant have shown over 60% of homologous recombination efficiency, 95% resistance to PARP inhibitor treatment, and similar protein expression when compared to wildtype (PMID: 31757951). The evidence is insufficient to meet ACMG/AMP criteria for classifying the variant as benign or pathogenic. Thus, the clinical significance of this variant is currently uncertain.

Genetic Services Laboratory, University of Chicago
Classification: Uncertain significance. Last evaluated: 2019-08-01. Review status: criteria provided, single submitter. Criteria: ACMG Guidelines, 2015. Collection method: clinical testing. Allele origin: germline. Affected: no.

Mendelics
Classification: Uncertain significance for Familial cancer of breast. Last evaluated: 2019-05-28. Review status: criteria provided, single submitter. Criteria: Mendelics Assertion Criteria 2017. Collection method: clinical testing. Allele origin: unknown.

Women's Health and Genetics/Laboratory Corporation of America, LabCorp
Classification: Uncertain significance. Last evaluated: 2017-02-23. Review status: criteria provided, single submitter. Criteria: LabCorp Variant Classification Summary - May 2015. Collection method: clinical testing. Allele origin: germline.
Comment: Variant summary: The PALB2 c.13C>T (p.Pro5Ser) variant involves the alteration of a non-conserved nucleotide. 4/5 in silico tools predict a benign outcome for this variant. This variant was found in 4/118644 control chromosomes at a frequency of 0.0000337, which does not exceed the estimated maximal expected allele frequency of a pathogenic PALB2 variant (0.0001563). This variant has been found in multiple HBOC patients without clear evidence supporting the its pathogenicity. In addition, multiple clinical diagnostic laboratories/reputable databases classified this variant as uncertain significance. Taken together, this variant is classified as VUS.

Color Diagnostics, LLC DBA Color Health
Classification: Likely benign for Hereditary cancer-predisposing syndrome. Last evaluated: 2015-07-24. Review status: criteria provided, single submitter. Criteria: ACMG Guidelines, 2015. Collection method: clinical testing. Allele origin: germline.

Leiden Open Variation Database
Classification: Uncertain significance. Last evaluated: 2019-05-13. Review status: no assertion criteria provided. Collection method: curation. Allele origin: germline. Affected: yes. Not counted in ClinVar's aggregate classification.
Comment: Curators: Marc Tischkowitz, Arleen D. Auerbach. Submitters to LOVD: Marc Tischkowitz, Melissa DeRycke.

Counsyl
Classification: Uncertain significance for Familial cancer of breast. Last evaluated: 2015-12-10. Review status: no assertion criteria provided. Collection method: clinical testing. Allele origin: unknown. Not counted in ClinVar's aggregate classification.

Literature cited by the submitters: PubMed 21285249 (cited by 8 submitters); PubMed 24556926 (cited by 8 submitters); PubMed 26315354 (cited by 7 submitters); PubMed 27616075 (cited by 6 submitters); PubMed 28135145 (cited by 3 submitters); PubMed 29052111 (cited by 5 submitters); PubMed 31757951 (cited by 4 submitters); PubMed 28779002 (cited by 3 submitters); PubMed 27930734 (cited by Ambry Genetics and Women's Health and Genetics/Laboratory Corporation of America, LabCorp); PubMed 29522266 (cited by Ambry Genetics); PubMed 25085752 (cited by Myriad Genetics, Inc.); PubMed 33471991 (cited by Department of Pathology and Laboratory Medicine, Sinai Health System).